The following is an entry in ClinVar:

NM_001382391.1(CSPP1):c.1942G>A (p.Ala648Thr)

Gene: CSPP1 (centrosome and spindle pole associated protein 1; plus strand). Cytogenetic location: 8q13.2.
Variant type: single nucleotide variant.
Coding change: c.1942G>A on transcript NM_001382391.1 (MANE Select); coding-DNA position 1942, G replaced by A.
Protein change: p.Ala648Thr; replaces alanine 648 with threonine.
Molecular consequence: missense variant.
Genome position (GRCh38, 1-based): chr8:67,137,570, G>A. VCF-style: chr8-67137570-G-A. GRCh37 (hg19) VCF-style: chr8-68049805-G-A.
Other names: c.1045G>A, p.Ala349Thr (NM_001291339.2); c.1861G>A, p.Ala621Thr (NM_001363131.2); c.1900G>A, p.Ala634Thr (NM_001363132.2); c.1819G>A, p.Ala607Thr (NM_001363133.2); c.2008G>A, p.Ala670Thr (NM_001364869.1); c.1828G>A, p.Ala610Thr (NM_001364870.1); c.1927G>A, p.Ala643Thr (NM_024790.7); short protein forms A349T, A670T, A634T, A648T, A607T, A643T, A610T, A621T.
Identifiers: ClinVar variation 1983753 (VCV001983753.3), dbSNP rs772131908, ClinGen allele CA178226353.

ClinVar aggregate classification (germline): Uncertain significance. Review status: criteria provided, multiple submitters, no conflicts (2 of 4 stars). 2 submissions from 2 submitters: Uncertain significance (2). Last evaluated 2023-05-08.

Conditions:
Joubert syndrome 21 (JBTS21). Identifiers: MedGen C3810212, MONDO:0014288, OMIM 615636.

Allele frequency attached by ClinVar (database versions not stated): gnomAD exomes 0.00002.
gnomAD v4.1: 27 of 1,591,134 alleles (0.0017%); highest among the groups gnomAD compares: Non-Finnish European, 0.0022%; no homozygotes.

Submissions (2):

Blueprint Genetics
Classification: Uncertain significance. Last evaluated: 2023-05-08. Review status: criteria provided, single submitter. Criteria: ACMG Guidelines, 2015. Collection method: clinical testing. Allele origin: germline.

Labcorp Genetics (formerly Invitae), Labcorp
Classification: Uncertain significance for Joubert syndrome 21. Last evaluated: 2022-11-15. Review status: criteria provided, single submitter. Criteria: Invitae Variant Classification Sherloc (09022015). Collection method: clinical testing. Allele origin: germline.
Comment: In summary, the available evidence is currently insufficient to determine the role of this variant in disease. Therefore, it has been classified as a Variant of Uncertain Significance. Algorithms developed to predict the effect of missense changes on protein structure and function are either unavailable or do not agree on the potential impact of this missense change (SIFT: "Deleterious"; PolyPhen-2: "Probably Damaging"; Align-GVGD: "Class C0"). This variant has not been reported in the literature in individuals affected with CSPP1-related conditions. This variant is not present in population databases (gnomAD no frequency). This sequence change replaces alanine, which is neutral and non-polar, with threonine, which is neutral and polar, at codon 643 of the CSPP1 protein (p.Ala643Thr).